The following is an entry in ClinVar:

NM_004006.3(DMD):c.1837A>T (p.Lys613Ter)

Gene: DMD (dystrophin; minus strand). Cytogenetic location: Xp21.1.
Variant type: single nucleotide variant.
Coding change: c.1837A>T on transcript NM_004006.3 (MANE Select); coding-DNA position 1837, A replaced by T.
Protein change: p.Lys613Ter; replaces lysine 613 with a stop codon.
Molecular consequence: nonsense.
Genome position (GRCh38, 1-based): chrX:32,565,857, T>A on the plus strand (A>T on the coding strand, the complement: DMD is on the minus strand). VCF-style: chrX-32565857-T-A. GRCh37 (hg19) VCF-style: chrX-32583974-T-A.
Other names: c.1813A>T, p.Lys605Ter (NM_000109.4); c.1825A>T, p.Lys609Ter (NM_004009.3); c.1468A>T, p.Lys490Ter (NM_004010.3); short protein forms K613*, K609*, K490*, K605*.
Identifiers: ClinVar variation 933803 (VCV000933803.6), dbSNP rs1302764635, ClinGen allele CA412672963.

ClinVar aggregate classification (germline): Pathogenic/Likely pathogenic. Review status: criteria provided, multiple submitters, no conflicts (2 of 4 stars). 2 submissions from 2 submitters: Pathogenic (1); Likely pathogenic (1). Last evaluated 2019-06-05.

Conditions:
Progressive muscular dystrophy. Identifiers: Orphanet 206644, MedGen C4551827, MONDO:0016106.
Duchenne muscular dystrophy (DMD). Also called: Duchenne Muscular Dystrophy (DMD); MUSCULAR DYSTROPHY, PSEUDOHYPERTROPHIC PROGRESSIVE, DUCHENNE TYPE. Identifiers: Orphanet 98896, MedGen C0013264, MONDO:0010679, OMIM 310200.

Submissions (2):

Labcorp Genetics (formerly Invitae), Labcorp
Classification: Pathogenic for Duchenne muscular dystrophy. Last evaluated: 2019-06-05. Review status: criteria provided, single submitter. Criteria: Invitae Variant Classification Sherloc (09022015). Collection method: clinical testing. Allele origin: germline.
Comment: This sequence change creates a premature translational stop signal (p.Lys613*) in the DMD gene. It is expected to result in an absent or disrupted protein product. This variant is not present in population databases (ExAC no frequency). This variant has been observed to be de novo in an individual affected with Duchenne muscular dystrophy (PMID: 30833962). Algorithms developed to predict the effect of sequence changes on RNA splicing suggest that this variant may create or strengthen a splice site, but this prediction has not been confirmed by published transcriptional studies. Loss-of-function variants in DMD are known to be pathogenic (PMID: 16770791, 25007885). For these reasons, this variant has been classified as Pathogenic.

Myriad Genetics, Inc.
Classification: Likely pathogenic for Progressive muscular dystrophy. Last evaluated: 2019-02-19. Review status: criteria provided, single submitter. Criteria: Myriad Autosomal Dominant, Autosomal Recessive and X-Linked Classification Criteria (2023). Collection method: clinical testing. Allele origin: unknown.
Comment: NM_004006.2(DMD):c.1837A>T(K613*) is expected to be pathogenic in the context of dystrophinopathy (including Duchenne/Becker muscular dystrophy). This variant is predicted to lead to an abnormal or absent protein product due to the creation of a premature termination codon in DMD, a gene where loss-of-function variants are known to be pathogenic. Please note: this variant was assessed in the context of healthy population screening.

Literature cited by the submitters: PubMed 30833962 (cited by Labcorp Genetics (formerly Invitae), Labcorp).